The following is an entry in ClinVar:

ClinVar aggregate classification (germline): Uncertain significance (1 of 4 stars; one submission).

Conditions:
Alstrom syndrome (ALMS). Identifiers: Orphanet 64, MedGen C0268425, MONDO:0008763, OMIM 203800.

Submission:

Labcorp Genetics (formerly Invitae), Labcorp
Classification: Uncertain significance for Alstrom syndrome. Last evaluated: 2022-05-13. Review status: criteria provided, single submitter. Criteria: Invitae Variant Classification Sherloc (09022015). Collection method: clinical testing. Allele origin: germline.
Comment: This variant has not been reported in the literature in individuals affected with ALMS1-related conditions. This variant is not present in population databases (gnomAD no frequency). This sequence change creates a premature translational stop signal (p.Lys4155Glufs*40) in the ALMS1 gene. While this is not anticipated to result in nonsense mediated decay, it is expected to disrupt the last 15 amino acid(s) of the ALMS1 protein. Experimental studies and prediction algorithms are not available or were not evaluated, and the functional significance of this variant is currently unknown. In summary, the available evidence is currently insufficient to determine the role of this variant in disease. Therefore, it has been classified as a Variant of Uncertain Significance.

NM_001378454.1(ALMS1):c.12460_12461del (p.Lys4154fs)

Gene: ALMS1 (ALMS1 centrosome and basal body associated protein; plus strand). Cytogenetic location: 2p13.1.
Variant type: Deletion.
Coding change: c.12460_12461del on transcript NM_001378454.1 (MANE Select); coding-DNA positions 12460 to 12461, 2 bases deleted (AA; older notation c.12460_12461delAA).
Protein change: p.Lys4154fs; shifts the reading frame from lysine 4154.
Molecular consequence: frameshift variant.
Genome position (GRCh38, 1-based): chr2:73,608,572-73,608,573, AA deleted; deleting any 2 consecutive bases within chr2:73,608,569-73,608,573 gives the same sequence; the c. name uses the placement nearest the transcript's 3' end. VCF-style (leftmost placement, unchanged base first): chr2-73608568-TAA-T. GRCh37 (hg19) VCF-style: chr2-73835695-TAA-T.
Other names: c.12463_12464del, p.Lys4155fs (NM_015120.4); short protein forms K4154fs, K4155fs.
Identifiers: ClinVar variation 2141333 (VCV002141333.4), dbSNP rs1553422659, ClinGen allele CA2580068158.